The following is an entry in ClinVar:

ClinVar aggregate classification (germline): Likely benign. Review status: criteria provided, multiple submitters, no conflicts (2 of 4 stars). 2 submissions from 2 submitters: Likely benign (2). Last evaluated 2026-02-25.

Conditions:
ABCG8-related disorder. Also called: ABCG8-related condition.
Cardiovascular phenotype. Identifiers: MedGen CN230736.

Allele frequency attached by ClinVar (database versions not stated): TOPMed below 0.00001.
gnomAD v4.1: 11 of 1,551,284 alleles (0.00071%); highest among the groups gnomAD compares: Non-Finnish European, 0.00096%; no homozygotes.

Submissions (2):

PreventionGenetics, part of Exact Sciences
Classification: Likely benign for ABCG8-related condition. Last evaluated: 2026-02-25. Review status: criteria provided, single submitter. Criteria: ACMG Guidelines, 2015. Collection method: clinical testing. Allele origin: germline.
Comment: This variant is classified as likely benign based on ACMG/AMP sequence variant interpretation guidelines (Richards et al. 2015 PMID: 25741868, with internal and published modifications).

Ambry Genetics
Classification: Likely benign for Cardiovascular phenotype. Last evaluated: 2022-04-25. Review status: criteria provided, single submitter. Criteria: Ambry Variant Classification Scheme 2023. Collection method: clinical testing. Allele origin: germline.

NM_022437.3(ABCG8):c.42G>C (p.Gly14=)

Genes: ABCG5 (ATP binding cassette subfamily G member 5; minus strand), ABCG8 (ATP binding cassette subfamily G member 8; plus strand). Cytogenetic location: 2p21.
Variant type: single nucleotide variant.
Coding change: c.42G>C on transcript NM_022437.3 (MANE Select); coding-DNA position 42, G replaced by C.
Protein change: p.Gly14=; no amino-acid change (glycine 14 retained).
Molecular consequence: synonymous variant.
Genome position (GRCh38, 1-based): chr2:43,839,095, G>C. VCF-style: chr2-43839095-G-C. GRCh37 (hg19) VCF-style: chr2-44066234-G-C.
Other names: c.42G>C, p.Gly14= (NM_001357321.2).
Identifiers: ClinVar variation 1739544 (VCV001739544.3), dbSNP rs1415052353, ClinGen allele CA425749336.
Genomic context (GRCh38, chr2:43,839,095, plus strand): 5'-TCACAGACCTGTGGGCCCCATGGCCGGGAAGGCGGCAGAGGAGAGAGGGCTGCCGAAAGG[G>C]GCCACTCCCCAGGATACCTCGGTGAGTGAGCAATGGGAAGTCGGCCCAGGCCTGGTGGGC-3'
Protein context (NP_071882.1, residues 4-24): KAAEERGLPK[Gly14=]ATPQDTSGLQ